The following is an entry in ClinVar:

NM_001360016.2(G6PD):c.314A>C (p.Asn105Thr)

Gene: G6PD (glucose-6-phosphate dehydrogenase; minus strand). Cytogenetic location: Xq28.
Variant type: single nucleotide variant.
Coding change: c.314A>C on transcript NM_001360016.2 (MANE Select); coding-DNA position 314, A replaced by C.
Protein change: p.Asn105Thr; replaces asparagine 105 with threonine.
Molecular consequence: missense variant.
Genome position (GRCh38, 1-based): chrX:154,535,339, T>G on the plus strand (A>C on the coding strand, the complement: G6PD is on the minus strand). VCF-style: chrX-154535339-T-G. GRCh37 (hg19) VCF-style: chrX-153763554-T-G.
Other names: c.404A>C, p.Asn135Thr (NM_000402.4); c.314A>C, p.Asn105Thr (NM_001042351.3); short protein forms N135T, N105T.
Identifiers: ClinVar variation 2920155 (VCV002920155.3), dbSNP rs782668959, ClinGen allele CA415239121.

ClinVar aggregate classification (germline): Uncertain significance (1 of 4 stars; one submission).

Conditions:
Anemia, nonspherocytic hemolytic, due to G6PD deficiency (CNSHA1). Also called: Hemolytic anemia due to G6PD deficiency; Class I glucose-6-phosphate dehydrogenase deficiency; Favism, susceptibility to; ANEMIA, CONGENITAL, NONSPHEROCYTIC HEMOLYTIC, 1. Identifiers: Orphanet 466026, MedGen C2720289, MONDO:0010480, OMIM 300908.

Submission:

Labcorp Genetics (formerly Invitae), Labcorp
Classification: Uncertain significance for Anemia, nonspherocytic hemolytic, due to G6PD deficiency. Last evaluated: 2023-02-14. Review status: criteria provided, single submitter. Criteria: Invitae Variant Classification Sherloc (09022015). Collection method: clinical testing. Allele origin: germline.
Comment: This sequence change replaces asparagine, which is neutral and polar, with threonine, which is neutral and polar, at codon 105 of the G6PD protein (p.Asn105Thr). This variant is present in population databases (no rsID available, gnomAD 0.001%). This variant has not been reported in the literature in individuals affected with G6PD-related conditions. Advanced modeling of protein sequence and biophysical properties (such as structural, functional, and spatial information, amino acid conservation, physicochemical variation, residue mobility, and thermodynamic stability) performed at Invitae indicates that this missense variant is expected to disrupt G6PD protein function. In summary, the available evidence is currently insufficient to determine the role of this variant in disease. Therefore, it has been classified as a Variant of Uncertain Significance.